The following is an entry in ClinVar:

ClinVar aggregate classification (germline): Uncertain significance. Review status: criteria provided, multiple submitters, no conflicts (2 of 4 stars). 2 submissions from 2 submitters: Uncertain significance (2). Last evaluated 2024-11-06.

Conditions:
Familial cancer of breast. Also called: hereditary breast carcinoma; BREAST CANCER, FAMILIAL; Hereditary breast cancer. Identifiers: Orphanet 227535, MedGen C0346153, MONDO:0016419, OMIM 114480. Disease mechanism: loss of function.
Hereditary cancer-predisposing syndrome. Also called: Neoplastic Syndromes, Hereditary; Tumor predisposition; Hereditary Cancer Syndrome; Hereditary neoplastic syndrome. Identifiers: Orphanet 140162, MedGen C0027672, MeSH D009386, MONDO:0015356.

Submissions (2):

Labcorp Genetics (formerly Invitae), Labcorp
Classification: Uncertain significance for Familial cancer of breast. Last evaluated: 2024-11-06. Review status: criteria provided, single submitter. Criteria: Invitae Variant Classification Sherloc (09022015). Collection method: clinical testing. Allele origin: germline.
Comment: This sequence change replaces glycine, which is neutral and non-polar, with alanine, which is neutral and non-polar, at codon 102 of the CHEK2 protein (p.Gly102Ala). This variant is not present in population databases (gnomAD no frequency). This variant has not been reported in the literature in individuals affected with CHEK2-related conditions. ClinVar contains an entry for this variant (Variation ID: 653450). An algorithm developed to predict the effect of missense changes on protein structure and function (PolyPhen-2) suggests that this variant is likely to be disruptive. In summary, the available evidence is currently insufficient to determine the role of this variant in disease. Therefore, it has been classified as a Variant of Uncertain Significance.

Ambry Genetics
Classification: Uncertain significance for Hereditary cancer-predisposing syndrome. Last evaluated: 2021-04-06. Review status: criteria provided, single submitter. Criteria: Ambry Variant Classification Scheme 2023. Collection method: clinical testing. Allele origin: germline.
Comment: The p.G102A variant (also known as c.305G>C), located in coding exon 1 of the CHEK2 gene, results from a G to C substitution at nucleotide position 305. The glycine at codon 102 is replaced by alanine, an amino acid with similar properties. This amino acid position is highly conserved in available vertebrate species. In addition, this alteration is predicted to be deleterious by in silico analysis. Since supporting evidence is limited at this time, the clinical significance of this alteration remains unclear.

NM_007194.4(CHEK2):c.305G>C (p.Gly102Ala)

Gene: CHEK2 (checkpoint kinase 2; minus strand). Cytogenetic location: 22q12.1.
Variant type: single nucleotide variant.
Coding change: c.305G>C on transcript NM_007194.4 (MANE Select); coding-DNA position 305, G replaced by C.
Protein change: p.Gly102Ala; replaces glycine 102 with alanine.
Molecular consequence: missense variant.
Genome position (GRCh38, 1-based): chr22:28,734,417, C>G on the plus strand (G>C on the coding strand, the complement: CHEK2 is on the minus strand). VCF-style: chr22-28734417-C-G. GRCh37 (hg19) VCF-style: chr22-29130405-C-G.
Other names: c.305G>C, p.Gly102Ala (NM_001005735.3, NM_001349956.3, NM_145862.3); c.-473G>C (NM_001257387.3); short protein forms G102A.
Identifiers: ClinVar variation 653450 (VCV000653450.12), dbSNP rs1555932082, ClinGen allele CA411090237.